The following is an entry in ClinVar:

NM_006899.5(IDH3B):c.161T>C (p.Leu54Pro)

Gene: IDH3B (isocitrate dehydrogenase (NAD(+)) 3 non-catalytic subunit beta; minus strand). Cytogenetic location: 20p13.
Variant type: single nucleotide variant.
Coding change: c.161T>C on transcript NM_006899.5 (MANE Select); coding-DNA position 161, T replaced by C.
Protein change: p.Leu54Pro; replaces leucine 54 with proline.
Molecular consequence: missense variant. On other transcripts: non-coding transcript variant (1).
Genome position (GRCh38, 1-based): chr20:2,663,715, A>G on the plus strand (T>C on the coding strand, the complement: IDH3B is on the minus strand). VCF-style: chr20-2663715-A-G. GRCh37 (hg19) VCF-style: chr20-2644361-A-G.
Other names: c.161T>C, p.Leu54Pro (NM_001258384.3, NM_001330763.2, NM_174855.4); short protein forms L54P.
Identifiers: ClinVar variation 338027 (VCV000338027.15), dbSNP rs886056572, ClinGen allele CA10643678.

ClinVar aggregate classification (germline): Uncertain significance. Review status: criteria provided, multiple submitters, no conflicts (2 of 4 stars). 2 submissions from 2 submitters: Uncertain significance (2). Last evaluated 2022-07-12.

Conditions:
Retinitis pigmentosa (RP). Identifiers: Orphanet 791, MedGen C0035334, MeSH D012174, MONDO:0019200, OMIM 268000. Inheritance: Autosomal dominant, autosomal recessive and X linked inheritance.

Allele frequency attached by ClinVar (database versions not stated): gnomAD 0.00001; gnomAD exomes 0.00002.
gnomAD v4.1: 27 of 1,614,208 alleles (0.0017%); highest among the groups gnomAD compares: Non-Finnish European, 0.0023%; no homozygotes.

Submissions (2):

Labcorp Genetics (formerly Invitae), Labcorp
Classification: Uncertain significance. Last evaluated: 2022-07-12. Review status: criteria provided, single submitter. Criteria: Invitae Variant Classification Sherloc (09022015). Collection method: clinical testing. Allele origin: germline.
Comment: This sequence change replaces leucine, which is neutral and non-polar, with proline, which is neutral and non-polar, at codon 54 of the IDH3B protein (p.Leu54Pro). In summary, the available evidence is currently insufficient to determine the role of this variant in disease. Therefore, it has been classified as a Variant of Uncertain Significance. Algorithms developed to predict the effect of missense changes on protein structure and function are either unavailable or do not agree on the potential impact of this missense change (SIFT: "Not Available"; PolyPhen-2: "Possibly Damaging"; Align-GVGD: "Not Available"). ClinVar contains an entry for this variant (Variation ID: 338027). This variant has not been reported in the literature in individuals affected with IDH3B-related conditions. This variant is present in population databases (no rsID available, gnomAD 0.03%).

Illumina Laboratory Services, Illumina
Classification: Uncertain significance for Retinitis pigmentosa. Last evaluated: 2018-01-12. Review status: criteria provided, single submitter. Criteria: ICSL Variant Classification Criteria 13 December 2019. Collection method: clinical testing. Allele origin: germline.